The following is an entry in ClinVar:

ClinVar aggregate classification (germline): Pathogenic. Review status: criteria provided, multiple submitters, no conflicts (2 of 4 stars). 9 submissions from 9 submitters: Pathogenic (9). Last evaluated 2025-12-10.

Conditions:
Peutz-Jeghers syndrome (PJS). Also called: Peutz-Jeghers polyposis; Periorificial lentiginosis syndrome; POLYPOSIS, HAMARTOMATOUS INTESTINAL; POLYPS-AND-SPOTS SYNDROME. Identifiers: Orphanet 2869, MedGen C0031269, MeSH D010580, MONDO:0008280, OMIM 175200.
Hereditary cancer-predisposing syndrome. Also called: Tumor predisposition; Hereditary Cancer Syndrome; Hereditary neoplastic syndrome; Neoplastic Syndromes, Hereditary. Identifiers: Orphanet 140162, MedGen C0027672, MeSH D009386, MONDO:0015356.

Submissions (9):

Clinical Genetics Laboratory, Skane University Hospital Lund
Classification: Pathogenic for Peutz-Jeghers syndrome. Last evaluated: 2025-12-10. Review status: criteria provided, single submitter. Criteria: ACMG Guidelines, 2015. Collection method: clinical testing. Allele origin: germline. Affected: yes.
Comment: PVS1, PM2

Labcorp Genetics (formerly Invitae), Labcorp
Classification: Pathogenic for Peutz-Jeghers syndrome. Last evaluated: 2025-07-21. Review status: criteria provided, single submitter. Criteria: Invitae Variant Classification Sherloc (09022015). Collection method: clinical testing. Allele origin: germline.
Comment: This sequence change creates a premature translational stop signal (p.Phe264Argfs*22) in the STK11 gene. It is expected to result in an absent or disrupted protein product. Loss-of-function variants in STK11 are known to be pathogenic (PMID: 15188174, 16287113). This variant is not present in population databases (gnomAD no frequency). This premature translational stop signal has been observed in individual(s) with Peutz-Jeghers syndrome (PMID: 9809980, 15863673, 16287113, 17010210, 23718779, 26979979). In at least one individual the variant was observed to be de novo. Invitae Evidence Modeling of clinical and family history, age, sex, and reported ancestry of multiple individuals with this STK11 variant has been performed. This variant is expected to be pathogenic with a positive predictive value of at least 99%. This is a validated machine learning model that incorporates the clinical features of 656,629 individuals referred to our laboratory for STK11 testing. This variant is also known as c.787del4. ClinVar contains an entry for this variant (Variation ID: 372523). For these reasons, this variant has been classified as Pathogenic.

3billion
Classification: Pathogenic for Peutz-Jeghers syndrome. Last evaluated: 2025-03-06. Review status: criteria provided, single submitter. Criteria: ACMG Guidelines, 2015. Collection method: clinical testing. Allele origin: germline. Affected: yes.
Comment: The variant is not observed in the gnomAD v4.1.0 dataset. Predicted Consequence/Location: Frameshift: predicted to result in a loss or disruption of normal protein function through nonsense-mediated decay (NMD) or protein truncation. Multiple pathogenic variants are reported downstream of the variant. The variant has been reported at least twice as pathogenic with clinical assertions and evidence for the classification (ClinVar ID: VCV000372523 /PMID: 9809980). Therefore, this variant is classified as Pathogenic according to the recommendation of ACMG/AMP guideline.

Department of Clinical Genetics, Copenhagen University Hospital, Rigshospitalet
Classification: Pathogenic for Peutz-Jeghers syndrome. Last evaluated: 2025-01-10. Review status: criteria provided, single submitter. Criteria: ACMG Guidelines, 2015. Collection method: clinical testing. Allele origin: germline. Affected: yes.
Comment: The following ACMG criteria was used: PVS1; PM2_SUP; PS4_SUP

Myriad Genetics, Inc.
Classification: Pathogenic for Peutz-Jeghers syndrome. Last evaluated: 2024-02-12. Review status: criteria provided, single submitter. Criteria: Myriad Autosomal Dominant, Autosomal Recessive and X-Linked Classification Criteria (2023). Collection method: clinical testing. Allele origin: unknown.
Comment: This variant is considered pathogenic. This variant creates a frameshift predicted to result in premature protein truncation.

Ambry Genetics
Classification: Pathogenic for Hereditary cancer-predisposing syndrome. Last evaluated: 2023-11-09. Review status: criteria provided, single submitter. Criteria: Ambry Variant Classification Scheme 2023. Collection method: clinical testing. Allele origin: germline.
Comment: The c.790_793delTTTG pathogenic mutation, located in coding exon 6 of the STK11 gene, results from a deletion of 4 nucleotides at nucleotide positions 790 to 793, causing a translational frameshift with a predicted alternate stop codon (p.F264Rfs*22). This alteration has been identified in multiple cohorts of patients with a clinical diagnosis of Peutz-Jegher syndrome (Resta N et al. Cancer Res. 1998 Nov;58:4799-801; Schumacher V et al. J. Med. Genet. 2005 May;42:428-35; Thakur N et al. BMC Med. Genet. 2006 Sep;7:73; Jiang YL et al. Cancer Genet. 2019 01;230:47-57). Of note, this alteration is also designated as 787del4 in the published literature. This alteration is expected to result in loss of function by premature protein truncation or nonsense-mediated mRNA decay. As such, this alteration is interpreted as a disease-causing mutation.

Genome-Nilou Lab
Classification: Pathogenic for Peutz-Jeghers syndrome. Last evaluated: 2021-07-15. Review status: criteria provided, single submitter. Criteria: ACMG Guidelines, 2015. Collection method: clinical testing. Allele origin: germline. Affected: no.

GeneDx
Classification: Pathogenic. Last evaluated: 2019-04-10. Review status: criteria provided, single submitter. Criteria: GeneDx Variant Classification Process June 2021. Collection method: clinical testing. Allele origin: germline. Affected: yes.
Comment: Frameshift variant predicted to result in protein truncation [or nonsense mediated decay] in a gene for which loss-of-function is a known mechanism of disease; Not observed in large population cohorts (Lek et al., 2016); This variant is associated with the following publications: (PMID: 12552571, 9809980, 16287113, 23718779, 17404884, 19727776, 17010210, 25742471, 11103790, 15863673)

ARUP Laboratories, Molecular Genetics and Genomics, ARUP Laboratories
Classification: Pathogenic. Last evaluated: 2017-09-06. Review status: criteria provided, single submitter. Criteria: ARUP Molecular Germline Variant Investigation Process. Collection method: clinical testing. Allele origin: germline.

Literature cited by the submitters: PubMed 15188174 (cited by Labcorp Genetics (formerly Invitae), Labcorp); PubMed 16287113 (cited by Labcorp Genetics (formerly Invitae), Labcorp); PubMed 9809980 (cited by 3 submitters); PubMed 15863673 (cited by Labcorp Genetics (formerly Invitae), Labcorp and Ambry Genetics); PubMed 17010210 (cited by Labcorp Genetics (formerly Invitae), Labcorp and Ambry Genetics); PubMed 23718779 (cited by Labcorp Genetics (formerly Invitae), Labcorp); PubMed 26979979 (cited by Labcorp Genetics (formerly Invitae), Labcorp); PubMed 37017260 (cited by Department of Clinical Genetics, Copenhagen University Hospital, Rigshospitalet); PubMed 30528796 (cited by Ambry Genetics).

NM_000455.5(STK11):c.790_793del (p.Phe264fs)

Gene: STK11 (serine/threonine kinase 11; plus strand). Cytogenetic location: 19p13.3.
Variant type: Deletion.
Coding change: c.790_793del on transcript NM_000455.5 (MANE Select); coding-DNA positions 790 to 793, 4 bases deleted (TTTG; older notation c.790_793delTTTG).
Protein change: p.Phe264fs; shifts the reading frame from phenylalanine 264.
Molecular consequence: frameshift variant.
Genome position (GRCh38, 1-based): chr19:1,221,268-1,221,271, TTTG deleted; deleting any 4 consecutive bases within chr19:1,221,265-1,221,271 gives the same sequence; the c. name uses the placement nearest the transcript's 3' end. VCF-style (leftmost placement, unchanged base first): chr19-1221264-GTTGT-G. GRCh37 (hg19) VCF-style: chr19-1221263-GTTGT-G.
Other names: c.790_793delTTTG (NM_000455.4); short protein forms F264fs.
Identifiers: ClinVar variation 372523 (VCV000372523.27), dbSNP rs121913320, ClinGen allele CA16043168.
Genomic context (GRCh38, chr19:1,221,264, plus strand): 5'-GAAATGAAGCTACAACATCACCACGGGTCTGTACCCCTTCGAAGGGGACAACATCTACAA[GTTGT>G]TTGAGAACATCGGGAAGGGGAGCTACGCCATCCCGGGCGACTGTGGCCCCCCGCTCTCTG-3'